The following is an entry in ClinVar:

NM_004168.4(SDHA):c.611T>C (p.Leu204Ser)

Gene: SDHA (succinate dehydrogenase complex flavoprotein subunit A; plus strand). Cytogenetic location: 5p15.33.
Variant type: single nucleotide variant.
Coding change: c.611T>C on transcript NM_004168.4 (MANE Select); coding-DNA position 611, T replaced by C.
Protein change: p.Leu204Ser; replaces leucine 204 with serine.
Molecular consequence: missense variant.
Genome position (GRCh38, 1-based): chr5:226,037, T>C. VCF-style: chr5-226037-T-C. GRCh37 (hg19) VCF-style: chr5-226152-T-C.
Other names: c.467T>C, p.Leu156Ser (NM_001294332.2); c.611T>C, p.Leu204Ser (NM_001330758.2); short protein forms L204S, L156S.
Identifiers: ClinVar variation 2950572 (VCV002950572.3), dbSNP rs2477301237, ClinGen allele CA359010652.

ClinVar aggregate classification (germline): Uncertain significance (1 of 4 stars; one submission).

Conditions:
Mitochondrial complex II deficiency, nuclear type 1. Also called: SUCCINATE CoQ REDUCTASE DEFICIENCY. Identifiers: Orphanet 3208, MedGen C5700310, MONDO:0100294, OMIM 252011.
Pheochromocytoma/paraganglioma syndrome 5. Also called: Paragangliomas 5; SDHA-Related Hereditary Paraganglioma-Pheochromocytoma Syndrome. Identifiers: Orphanet 29072, MedGen C3279992, MONDO:0013602, OMIM 614165.

Submission:

Labcorp Genetics (formerly Invitae), Labcorp
Classification: Uncertain significance for Pheochromocytoma/paraganglioma syndrome 5; Mitochondrial complex II deficiency, nuclear type 1. Last evaluated: 2023-08-04. Review status: criteria provided, single submitter. Criteria: Invitae Variant Classification Sherloc (09022015). Collection method: clinical testing. Allele origin: germline.
Comment: This sequence change replaces leucine, which is neutral and non-polar, with serine, which is neutral and polar, at codon 204 of the SDHA protein (p.Leu204Ser). This variant is not present in population databases (gnomAD no frequency). This variant has not been reported in the literature in individuals affected with SDHA-related conditions. Advanced modeling of protein sequence and biophysical properties (such as structural, functional, and spatial information, amino acid conservation, physicochemical variation, residue mobility, and thermodynamic stability) has been performed at Invitae for this missense variant, however the output from this modeling did not meet the statistical confidence thresholds required to predict the impact of this variant on SDHA protein function. In summary, the available evidence is currently insufficient to determine the role of this variant in disease. Therefore, it has been classified as a Variant of Uncertain Significance.